The following is an entry in ClinVar:

ClinVar aggregate classification (germline): Uncertain significance. Review status: criteria provided, multiple submitters, no conflicts (2 of 4 stars). 4 submissions from 4 submitters: Uncertain significance (3). 1 of the submissions does not count toward it. Last evaluated 2024-03-04.

Conditions:
Mucopolysaccharidosis type 1. Also called: IDUA deficiency; MPS I. Identifiers: Orphanet 579, MedGen C0023786, MONDO:0001586.

Allele frequency attached by ClinVar (database versions not stated): TOPMed 0.00005; gnomAD 0.00006 and 0.00005; gnomAD exomes 0.00005.
gnomAD v4.1: 79 of 1,434,906 alleles (0.0055%); highest among the groups gnomAD compares: Middle Eastern, 0.093%; 1 homozygote.

Submissions (4):

Revvity Omics, Revvity
Classification: Uncertain significance. Last evaluated: 2024-03-04. Review status: criteria provided, single submitter. Criteria: ACMG Guidelines, 2015. Collection method: clinical testing. Allele origin: germline.

Labcorp Genetics (formerly Invitae), Labcorp
Classification: Uncertain significance for Mucopolysaccharidosis type 1. Last evaluated: 2022-07-12. Review status: criteria provided, single submitter. Criteria: Invitae Variant Classification Sherloc (09022015). Collection method: clinical testing. Allele origin: germline.
Comment: This sequence change replaces arginine, which is basic and polar, with cysteine, which is neutral and slightly polar, at codon 447 of the IDUA protein (p.Arg447Cys). The frequency data for this variant in the population databases is considered unreliable, as metrics indicate poor data quality at this position in the gnomAD database. This variant has not been reported in the literature in individuals affected with IDUA-related conditions. ClinVar contains an entry for this variant (Variation ID: 969316). Algorithms developed to predict the effect of missense changes on protein structure and function are either unavailable or do not agree on the potential impact of this missense change (SIFT: "Deleterious"; PolyPhen-2: "Probably Damaging"; Align-GVGD: "Class C0"). In summary, the available evidence is currently insufficient to determine the role of this variant in disease. Therefore, it has been classified as a Variant of Uncertain Significance.

GeneDx
Classification: Uncertain significance. Last evaluated: 2020-12-28. Review status: criteria provided, single submitter. Criteria: GeneDx Variant Classification Process June 2021. Collection method: clinical testing. Allele origin: germline. Affected: yes.
Comment: Has not been previously published as pathogenic or benign to our knowledge; In silico analysis supports that this missense variant has a deleterious effect on protein structure/function

Natera, Inc.
Classification: Uncertain significance for Mucopolysaccharidosis type I. Last evaluated: 2020-06-12. Review status: no assertion criteria provided. Collection method: clinical testing. Allele origin: germline. Not counted in ClinVar's aggregate classification.

NM_000203.5(IDUA):c.1339C>T (p.Arg447Cys)

Gene: IDUA (alpha-L-iduronidase; plus strand). Cytogenetic location: 4p16.3.
Variant type: single nucleotide variant.
Coding change: c.1339C>T on transcript NM_000203.5 (MANE Select); coding-DNA position 1339, C replaced by T.
Protein change: p.Arg447Cys; replaces arginine 447 with cysteine.
Molecular consequence: missense variant. On other transcripts: non-coding transcript variant (1).
Genome position (GRCh38, 1-based): chr4:1,002,881, C>T. VCF-style: chr4-1002881-C-T. GRCh37 (hg19) VCF-style: chr4-996669-C-T.
Other names: c.943C>T, p.Arg315Cys (NM_001363576.1); short protein forms R315C, R447C.
Identifiers: ClinVar variation 969316 (VCV000969316.11), dbSNP rs866224971, ClinGen allele CA91170056.
Genomic context (GRCh38, chr4:1,002,881, plus strand): 5'-CCCCAGGGCCCGGCCGACGCCTGGCGCGCCGCGGTGCTGATCTACGCGAGCGACGACACC[C>T]GCGCCCACCCCAACCGCAGCGTCGCGGTGACCCTGCGGCTGCGCGGGGTGCCCCCCGGCC-3'
Protein context (NP_000194.2, residues 437-457): AVLIYASDDT[Arg447Cys]AHPNRSVAVT